The following is an entry in ClinVar:

ClinVar aggregate classification (germline): Likely benign (0 of 4 stars; one submission).

Conditions:
UNC13A-related disorder. Also called: UNC13A-related condition.

Allele frequency attached by ClinVar (database versions not stated): gnomAD exomes 0.00013; ExAC 0.00019; 1000 Genomes Project 0.00040; ESP Exome Variant Server 0.00049; 1000 Genomes Project 30x 0.00078.
gnomAD v4.1: 245 of 1,612,818 alleles (0.015%); highest among the groups gnomAD compares: African/African-American, 0.11%; 1 homozygote.

Submission:

PreventionGenetics, part of Exact Sciences
Classification: Likely benign for UNC13A-related condition. Last evaluated: 2022-12-05. Review status: no assertion criteria provided. Collection method: clinical testing. Allele origin: germline.
Comment: This variant is classified as likely benign based on ACMG/AMP sequence variant interpretation guidelines (Richards et al. 2015 PMID: 25741868, with internal and published modifications).

NM_001080421.3(UNC13A):c.4272+8C>T

Gene: UNC13A (unc-13 homolog A; minus strand). Cytogenetic location: 19p13.11.
Variant type: single nucleotide variant.
Coding change: c.4272+8C>T on transcript NM_001080421.3 (MANE Select); 8 bases into the intron after coding-DNA position 4272, C replaced by T.
Molecular consequence: intron variant.
Genome position (GRCh38, 1-based): chr19:17,620,685, G>A on the plus strand (C>T on the coding strand, the complement: UNC13A is on the minus strand). VCF-style: chr19-17620685-G-A. GRCh37 (hg19) VCF-style: chr19-17731494-G-A.
Other names: c.4257+8C>T (NM_001387022.1); c.4192-1723C>T (NM_001387023.1); c.4260+8C>T (NM_001387021.1).
Identifiers: ClinVar variation 3036431 (VCV003036431.2), dbSNP rs375330473, ClinGen allele CA9297746.